The following is an entry in ClinVar:

ClinVar aggregate classification (germline): Uncertain significance (1 of 4 stars; one submission).

Conditions:
Werner syndrome (WRN). Identifiers: Orphanet 902, MedGen C0043119, MONDO:0010196, OMIM 277700.

Submission:

Labcorp Genetics (formerly Invitae), Labcorp
Classification: Uncertain significance for Werner syndrome. Last evaluated: 2022-07-29. Review status: criteria provided, single submitter. Criteria: Invitae Variant Classification Sherloc (09022015). Collection method: clinical testing. Allele origin: germline.
Comment: This variant is not present in population databases (gnomAD no frequency). This sequence change replaces methionine, which is neutral and non-polar, with isoleucine, which is neutral and non-polar, at codon 1171 of the WRN protein (p.Met1171Ile). This variant has not been reported in the literature in individuals affected with WRN-related conditions. Algorithms developed to predict the effect of missense changes on protein structure and function are either unavailable or do not agree on the potential impact of this missense change (SIFT: "Not Available"; PolyPhen-2: "Benign"; Align-GVGD: "Not Available"). In summary, the available evidence is currently insufficient to determine the role of this variant in disease. Therefore, it has been classified as a Variant of Uncertain Significance.

NM_000553.6(WRN):c.3513G>T (p.Met1171Ile)

Gene: WRN (WRN RecQ like helicase; plus strand). Cytogenetic location: 8p12.
Variant type: single nucleotide variant.
Coding change: c.3513G>T on transcript NM_000553.6 (MANE Select); coding-DNA position 3513, G replaced by T.
Protein change: p.Met1171Ile; replaces methionine 1171 with isoleucine.
Molecular consequence: missense variant.
Genome position (GRCh38, 1-based): chr8:31,147,417, G>T. VCF-style: chr8-31147417-G-T. GRCh37 (hg19) VCF-style: chr8-31004933-G-T.
Other names: short protein forms M1171I.
Identifiers: ClinVar variation 1714081 (VCV001714081.5), dbSNP rs2536043166, ClinGen allele CA370925857.